The following is an entry in ClinVar:

NM_003737.4(DCHS1):c.3523A>G (p.Ser1175Gly)

Gene: DCHS1 (dachsous cadherin-related 1; minus strand). Cytogenetic location: 11p15.4.
Variant type: single nucleotide variant.
Coding change: c.3523A>G on transcript NM_003737.4 (MANE Select); coding-DNA position 3523, A replaced by G.
Protein change: p.Ser1175Gly; replaces serine 1175 with glycine.
Molecular consequence: missense variant.
Genome position (GRCh38, 1-based): chr11:6,631,768, T>C on the plus strand (A>G on the coding strand, the complement: DCHS1 is on the minus strand). VCF-style: chr11-6631768-T-C. GRCh37 (hg19) VCF-style: chr11-6652999-T-C.
Other names: short protein forms S1175G.
Identifiers: ClinVar variation 3613890 (VCV003613890.2).

ClinVar aggregate classification (germline): Uncertain significance (1 of 4 stars; one submission).

gnomAD v4.1: 4 of 1,585,250 alleles (0.00025%); highest among the groups gnomAD compares: African/African-American, 0.0014%; no homozygotes.

Submission:

Labcorp Genetics (formerly Invitae), Labcorp
Classification: Uncertain significance. Last evaluated: 2024-06-19. Review status: criteria provided, single submitter. Criteria: Invitae Variant Classification Sherloc (09022015). Collection method: clinical testing. Allele origin: germline.
Comment: This sequence change replaces serine, which is neutral and polar, with glycine, which is neutral and non-polar, at codon 1175 of the DCHS1 protein (p.Ser1175Gly). This variant is present in population databases (rs747027839, gnomAD 0.007%). This variant has not been reported in the literature in individuals affected with DCHS1-related conditions. Advanced modeling of protein sequence and biophysical properties (such as structural, functional, and spatial information, amino acid conservation, physicochemical variation, residue mobility, and thermodynamic stability) performed at Invitae indicates that this missense variant is not expected to disrupt DCHS1 protein function with a negative predictive value of 80%. In summary, the available evidence is currently insufficient to determine the role of this variant in disease. Therefore, it has been classified as a Variant of Uncertain Significance.